The following is an entry in ClinVar:

NM_014363.6(SACS):c.12106A>T (p.Arg4036Ter)

Gene: SACS (sacsin molecular chaperone; minus strand). Cytogenetic location: 13q12.12.
Variant type: single nucleotide variant.
Coding change: c.12106A>T on transcript NM_014363.6 (MANE Select); coding-DNA position 12106, A replaced by T.
Protein change: p.Arg4036Ter; replaces arginine 4036 with a stop codon.
Molecular consequence: nonsense.
Genome position (GRCh38, 1-based): chr13:23,331,770, T>A on the plus strand (A>T on the coding strand, the complement: SACS is on the minus strand). VCF-style: chr13-23331770-T-A. GRCh37 (hg19) VCF-style: chr13-23905909-T-A.
Other names: c.11665A>T, p.Arg3889Ter (NM_001278055.2); short protein forms R3889*, R4036*.
Identifiers: ClinVar variation 1070056 (VCV001070056.9), dbSNP rs2137561134, ClinGen allele CA387508480.

ClinVar aggregate classification (germline): Pathogenic. Review status: criteria provided, multiple submitters, no conflicts (2 of 4 stars). 2 submissions from 2 submitters: Pathogenic (2). Last evaluated 2023-10-20.

Conditions:
Charlevoix-Saguenay spastic ataxia (SACS). Also called: SPASTIC ATAXIA 6, AUTOSOMAL RECESSIVE; Spastic ataxia of Charlevoix-Saguenay; AUTOSOMAL RECESSIVE SPASTIC ATAXIA OF CHARLEVOIX-SAGUENAY. Identifiers: Orphanet 98, MedGen C1849140, MONDO:0010041, OMIM 270550.
Spastic paraplegia. Identifiers: MedGen C0037772, HP:0001258.

Submissions (2):

Women's Health and Genetics/Laboratory Corporation of America, LabCorp
Classification: Pathogenic for Charlevoix-Saguenay spastic ataxia. Last evaluated: 2023-10-20. Review status: criteria provided, single submitter. Criteria: LabCorp Variant Classification Summary - May 2015. Collection method: clinical testing. Allele origin: germline.
Comment: Variant summary: SACS c.12106A>T (p.Arg4036X) results in a premature termination codon, predicted to cause a truncation of the encoded protein. Although nonsense mediated decay is not predicted several variants downstream of this position have been classified as pathogenic by our laboratory and in ClinVar. The variant was absent in 250678 control chromosomes. To our knowledge, no occurrence of c.12106A>T in individuals affected with Autosomal Recessive Spastic Ataxia Of Charlevoix-Saguenay and no experimental evidence demonstrating its impact on protein function have been reported. One submitter has cited clinical-significance assessments for this variant to ClinVar after 2014 and has classified the variant as pathogenic. Based on the evidence outlined above, the variant was classified as pathogenic.

Labcorp Genetics (formerly Invitae), Labcorp
Classification: Pathogenic for Spastic paraplegia. Last evaluated: 2023-08-31. Review status: criteria provided, single submitter. Criteria: Invitae Variant Classification Sherloc (09022015). Collection method: clinical testing. Allele origin: germline.
Comment: This variant is not present in population databases (gnomAD no frequency). This sequence change creates a premature translational stop signal (p.Arg4036*) in the SACS gene. While this is not anticipated to result in nonsense mediated decay, it is expected to disrupt the last 544 amino acid(s) of the SACS protein. This variant has not been reported in the literature in individuals affected with SACS-related conditions. ClinVar contains an entry for this variant (Variation ID: 1070056). This variant disrupts a region of the SACS protein in which other variant(s) (p.Tyr4538*) have been determined to be pathogenic (Invitae). This suggests that this is a clinically significant region of the protein, and that variants that disrupt it are likely to be disease-causing. For these reasons, this variant has been classified as Pathogenic.